The following is an entry in ClinVar:

ClinVar aggregate classification (germline): Likely benign. Review status: criteria provided, single submitter (1 of 4 stars). 2 submissions from 2 submitters: Likely benign (1). 1 of the submissions does not count toward it. Last evaluated 2025-10-27.

Conditions:
Treacher Collins syndrome 1 (TCS1). Also called: TCOF1-Related Treacher Collins Syndrome. Identifiers: Orphanet 861, MedGen CN315775, MONDO:0007944, OMIM 154500.
TCOF1-related disorder. Also called: TCOF1-related condition.

Allele frequency attached by ClinVar (database versions not stated): gnomAD exomes 0.00012 and 0.00025; ExAC 0.00013; ESP Exome Variant Server 0.00015; gnomAD 0.00015 and 0.00016; TOPMed 0.00015.
gnomAD v4.1: 385 of 1,613,890 alleles (0.024%); highest among the groups gnomAD compares: Non-Finnish European, 0.031%; 1 homozygote.

Submissions (2):

Labcorp Genetics (formerly Invitae), Labcorp
Classification: Likely benign for Treacher Collins syndrome 1. Last evaluated: 2025-10-27. Review status: criteria provided, single submitter. Criteria: Invitae Variant Classification Sherloc (09022015). Collection method: clinical testing. Allele origin: germline.

PreventionGenetics, part of Exact Sciences
Classification: Likely benign for TCOF1-related condition. Last evaluated: 2024-03-04. Review status: no assertion criteria provided. Collection method: clinical testing. Allele origin: germline. Not counted in ClinVar's aggregate classification.
Comment: This variant is classified as likely benign based on ACMG/AMP sequence variant interpretation guidelines (Richards et al. 2015 PMID: 25741868, with internal and published modifications).

NM_001371623.1(TCOF1):c.2766G>A (p.Ser922=)

Gene: TCOF1 (treacle ribosome biogenesis factor 1; plus strand). Cytogenetic location: 5q32.
Variant type: single nucleotide variant.
Coding change: c.2766G>A on transcript NM_001371623.1 (MANE Select); coding-DNA position 2766, G replaced by A.
Protein change: p.Ser922=; no amino-acid change (serine 922 retained).
Molecular consequence: synonymous variant.
Genome position (GRCh38, 1-based): chr5:150,379,639, G>A. VCF-style: chr5-150379639-G-A. GRCh37 (hg19) VCF-style: chr5-149759202-G-A.
Other names: c.2535G>A, p.Ser845= (NM_000356.4, NM_001135245.2); c.2766G>A, p.Ser922= (NM_001008657.3, NM_001135243.2, NM_001135244.2 and 1 more transcripts).
Identifiers: ClinVar variation 352218 (VCV000352218.13), dbSNP rs369562565, ClinGen allele CA3511263.